The following is an entry in ClinVar:

NM_032656.4(DHX37):c.2497C>T (p.Arg833Trp)

Gene: DHX37 (DEAH-box helicase 37; minus strand). Cytogenetic location: 12q24.31.
Variant type: single nucleotide variant.
Coding change: c.2497C>T on transcript NM_032656.4 (MANE Select); coding-DNA position 2497, C replaced by T.
Protein change: p.Arg833Trp; replaces arginine 833 with tryptophan.
Molecular consequence: missense variant.
Genome position (GRCh38, 1-based): chr12:124,954,168, G>A on the plus strand (C>T on the coding strand, the complement: DHX37 is on the minus strand). VCF-style: chr12-124954168-G-A. GRCh37 (hg19) VCF-style: chr12-125438714-G-A.
Other names: short protein forms R833W.
Identifiers: ClinVar variation 2198721 (VCV002198721.4), dbSNP rs780796755, ClinGen allele CA6871614.
Genomic context (GRCh38, chr12:124,954,168, plus strand): 5'-CGAGCTTCAGAGAAGCCCCCTGCCCTGCCCAGGTCCTCTTCATCTGGGCCACCCGGGCCC[G>A]CTTGCTCTTCAGCCTGGTGAGCTCCTCGTCACTGGCCGCTGGTCTGCAAACACACATACA-3'
Protein context (NP_116045.2, residues 823-843): DEELTRLKSK[Arg833Trp]ARVAQMKRTW

ClinVar aggregate classification (germline): Uncertain significance (1 of 4 stars; one submission).

Allele frequency attached by ClinVar (database versions not stated): gnomAD 0.00001; ExAC 0.00004; TOPMed 0.00007.
gnomAD v4.1: 35 of 1,611,164 alleles (0.0022%); highest among the groups gnomAD compares: Admixed American, 0.027%; 1 homozygote.

Submission:

Labcorp Genetics (formerly Invitae), Labcorp
Classification: Uncertain significance. Last evaluated: 2022-02-20. Review status: criteria provided, single submitter. Criteria: Invitae Variant Classification Sherloc (09022015). Collection method: clinical testing. Allele origin: germline.
Comment: Algorithms developed to predict the effect of missense changes on protein structure and function are either unavailable or do not agree on the potential impact of this missense change (SIFT: "Deleterious"; PolyPhen-2: "Probably Damaging"; Align-GVGD: "Class C0"). This variant has not been reported in the literature in individuals affected with DHX37-related conditions. This variant is present in population databases (rs780796755, gnomAD 0.04%). This sequence change replaces arginine, which is basic and polar, with tryptophan, which is neutral and slightly polar, at codon 833 of the DHX37 protein (p.Arg833Trp). In summary, the available evidence is currently insufficient to determine the role of this variant in disease. Therefore, it has been classified as a Variant of Uncertain Significance.